The following is an entry in ClinVar:

NM_001367624.2(ZNF469):c.8678C>T (p.Pro2893Leu)

Gene: ZNF469 (zinc finger protein 469; plus strand). Cytogenetic location: 16q24.2.
Variant type: single nucleotide variant.
Coding change: c.8678C>T on transcript NM_001367624.2 (MANE Select); coding-DNA position 8678, C replaced by T.
Protein change: p.Pro2893Leu; replaces proline 2893 with leucine.
Molecular consequence: missense variant.
Genome position (GRCh38, 1-based): chr16:88,436,148, C>T. VCF-style: chr16-88436148-C-T. GRCh37 (hg19) VCF-style: chr16-88502556-C-T.
Other names: NM_001127464.2:c.8594C>T; NM_001127464.1:c.8594C>T; short protein forms P2893L.
Identifiers: ClinVar variation 1702157 (VCV001702157.12), dbSNP rs529013712, ClinGen allele CA8225355.

ClinVar aggregate classification (germline): Likely benign. Review status: criteria provided, multiple submitters, no conflicts (2 of 4 stars). 4 submissions from 4 submitters: Likely benign (3). 1 of the submissions does not count toward it. Last evaluated 2026-01-09.

Conditions:
ZNF469-related disorder. Also called: ZNF469-related condition.
Cardiovascular phenotype. Identifiers: MedGen CN230736.
Ehlers-Danlos syndrome (EDS). Identifiers: Orphanet 98249, MedGen C0013720, MONDO:0020066.

Allele frequency attached by ClinVar (database versions not stated): gnomAD 0.00001 and 0.00004; TOPMed 0.00001; gnomAD exomes 0.00020 and 0.00039; ExAC 0.00163.
gnomAD v4.1: 281 of 1,548,194 alleles (0.018%); highest among the groups gnomAD compares: South Asian, 0.3%; 4 homozygotes.

Submissions (4):

Labcorp Genetics (formerly Invitae), Labcorp
Classification: Likely benign. Last evaluated: 2026-01-09. Review status: criteria provided, single submitter. Criteria: Invitae Variant Classification Sherloc (09022015). Collection method: clinical testing. Allele origin: germline.

Ambry Genetics
Classification: Likely benign for Cardiovascular phenotype. Last evaluated: 2022-11-20. Review status: criteria provided, single submitter. Criteria: Ambry Variant Classification Scheme 2023. Collection method: clinical testing. Allele origin: germline.

Genome Diagnostics Laboratory, The Hospital for Sick Children
Classification: Likely benign for Ehlers-Danlos syndrome. Last evaluated: 2019-06-01. Review status: criteria provided, single submitter. Criteria: ACMG Guidelines, 2015. Collection method: clinical testing. Allele origin: germline.

PreventionGenetics, part of Exact Sciences
Classification: Likely benign for ZNF469-related condition. Last evaluated: 2024-01-17. Review status: no assertion criteria provided. Collection method: clinical testing. Allele origin: germline. Not counted in ClinVar's aggregate classification.
Comment: This variant is classified as likely benign based on ACMG/AMP sequence variant interpretation guidelines (Richards et al. 2015 PMID: 25741868, with internal and published modifications).